The following is an entry in ClinVar:

NM_017999.5(RNF31):c.1393C>G (p.Leu465Val)

Gene: RNF31 (ring finger protein 31; plus strand). Cytogenetic location: 14q12.
Variant type: single nucleotide variant.
Coding change: c.1393C>G on transcript NM_017999.5 (MANE Select); coding-DNA position 1393, C replaced by G.
Protein change: p.Leu465Val; replaces leucine 465 with valine.
Molecular consequence: missense variant.
Genome position (GRCh38, 1-based): chr14:24,150,793, C>G. VCF-style: chr14-24150793-C-G. GRCh37 (hg19) VCF-style: chr14-24620002-C-G.
Other names: c.940C>G, p.Leu314Val (NM_001310332.2); short protein forms L314V, L465V.
Identifiers: ClinVar variation 2698599 (VCV002698599.3), dbSNP rs2502000872, ClinGen allele CA389295429.

ClinVar aggregate classification (germline): Uncertain significance (1 of 4 stars; one submission).

Allele frequency attached by ClinVar (database versions not stated): gnomAD exomes below 0.00001.
gnomAD v4.1: 1 of 1,609,320 alleles (0.000062%); highest among the groups gnomAD compares: Non-Finnish European, 0.000085%; no homozygotes.

Submission:

Labcorp Genetics (formerly Invitae), Labcorp
Classification: Uncertain significance. Last evaluated: 2025-09-08. Review status: criteria provided, single submitter. Criteria: Invitae Variant Classification Sherloc (09022015). Collection method: clinical testing. Allele origin: germline.
Comment: This sequence change replaces leucine, which is neutral and non-polar, with valine, which is neutral and non-polar, at codon 465 of the RNF31 protein (p.Leu465Val). This variant is not present in population databases (gnomAD no frequency). This variant has not been reported in the literature in individuals affected with RNF31-related conditions. ClinVar contains an entry for this variant (Variation ID: 2698599). An algorithm developed to predict the effect of missense changes on protein structure and function (PolyPhen-2) suggests that this variant is likely to be tolerated. In summary, the available evidence is currently insufficient to determine the role of this variant in disease. Therefore, it has been classified as a Variant of Uncertain Significance.